The following is an entry in ClinVar:

ClinVar aggregate classification (germline): Likely benign. Review status: criteria provided, multiple submitters, no conflicts (2 of 4 stars). 2 submissions from 2 submitters: Likely benign (2). Last evaluated 2026-01-19.

Conditions:
MAGEL2-related disorder. Also called: MAGEL2-related condition.

Allele frequency attached by ClinVar (database versions not stated): gnomAD 0.00003; ExAC 0.00006; TOPMed 0.00002.
gnomAD v4.1: 12 of 1,536,706 alleles (0.00078%); highest among the groups gnomAD compares: Admixed American, 0.0059%; no homozygotes.

Submissions (2):

PreventionGenetics, part of Exact Sciences
Classification: Likely benign for MAGEL2-related condition. Last evaluated: 2026-01-19. Review status: criteria provided, single submitter. Criteria: ACMG Guidelines, 2015. Collection method: clinical testing. Allele origin: germline.
Comment: This variant is classified as likely benign based on ACMG/AMP sequence variant interpretation guidelines (Richards et al. 2015 PMID: 25741868, with internal and published modifications).

Labcorp Genetics (formerly Invitae), Labcorp
Classification: Likely benign. Last evaluated: 2022-07-13. Review status: criteria provided, single submitter. Criteria: Invitae Variant Classification Sherloc (09022015). Collection method: clinical testing. Allele origin: germline.

NM_019066.5(MAGEL2):c.765G>A (p.Pro255=)

Gene: MAGEL2 (MAGE family member L2; minus strand). Cytogenetic location: 15q11.2.
Variant type: single nucleotide variant.
Coding change: c.765G>A on transcript NM_019066.5 (MANE Select); coding-DNA position 765, G replaced by A.
Protein change: p.Pro255=; no amino-acid change (proline 255 retained).
Molecular consequence: synonymous variant.
Genome position (GRCh38, 1-based): chr15:23,646,978, C>T on the plus strand (G>A on the coding strand, the complement: MAGEL2 is on the minus strand). VCF-style: chr15-23646978-C-T. GRCh37 (hg19) VCF-style: chr15-23892125-C-T.
Other names: c.765G>A (NM_019066.4).
Identifiers: ClinVar variation 1929929 (VCV001929929.7), dbSNP rs760536434, ClinGen allele CA7430081.
Genomic context (GRCh38, chr15:23,646,978, plus strand): 5'-TCCTGAAGGCTGAGGCTGGGTCATCATGGCTGCTGGAGGCGGCTGGACCATCGGTGCTCC[C>T]GGAGCAGCAGGCTGGACCATCAGGACTCCCGGAGTCAGAGGCTGGGCCATCAGGACTCCC-3'
Protein context (NP_061939.3, residues 245-265): PGVLMVQPAA[Pro255=]GAPMVQPPPA